The following is an entry in ClinVar:

NM_015909.4(NBAS):c.1267G>T (p.Gly423Ter)

Gene: NBAS (NBAS subunit of NRZ tethering complex; minus strand). Cytogenetic location: 2p24.3.
Variant type: single nucleotide variant.
Coding change: c.1267G>T on transcript NM_015909.4 (MANE Select); coding-DNA position 1267, G replaced by T.
Protein change: p.Gly423Ter; replaces glycine 423 with a stop codon.
Molecular consequence: nonsense. On other transcripts: non-coding transcript variant (1).
Genome position (GRCh38, 1-based): chr2:15,475,761, C>A on the plus strand (G>T on the coding strand, the complement: NBAS is on the minus strand). VCF-style: chr2-15475761-C-A. GRCh37 (hg19) VCF-style: chr2-15615885-C-A.
Other names: short protein forms G423*.
Identifiers: ClinVar variation 1452313 (VCV001452313.6), dbSNP rs2148588662, ClinGen allele CA345890870.

ClinVar aggregate classification (germline): Pathogenic (1 of 4 stars; one submission).

Submission:

Labcorp Genetics (formerly Invitae), Labcorp
Classification: Pathogenic. Last evaluated: 2022-07-12. Review status: criteria provided, single submitter. Criteria: Invitae Variant Classification Sherloc (09022015). Collection method: clinical testing. Allele origin: germline.
Comment: For these reasons, this variant has been classified as Pathogenic. ClinVar contains an entry for this variant (Variation ID: 1452313). This variant has not been reported in the literature in individuals affected with NBAS-related conditions. This variant is not present in population databases (gnomAD no frequency). This sequence change creates a premature translational stop signal (p.Gly423*) in the NBAS gene. It is expected to result in an absent or disrupted protein product. Loss-of-function variants in NBAS are known to be pathogenic (PMID: 26073778, 26541327, 27789416, 28031453).

Literature cited by the submitters: PubMed 26073778; PubMed 26541327; PubMed 27789416; PubMed 28031453.